The following is an entry in ClinVar:

NM_020921.4(NIN):c.2281G>A (p.Glu761Lys)

Gene: NIN (ninein; minus strand). Cytogenetic location: 14q22.1.
Variant type: single nucleotide variant.
Coding change: c.2281G>A on transcript NM_020921.4 (MANE Select); coding-DNA position 2281, G replaced by A.
Protein change: p.Glu761Lys; replaces glutamic acid 761 with lysine.
Molecular consequence: missense variant.
Genome position (GRCh38, 1-based): chr14:50,759,975, C>T on the plus strand (G>A on the coding strand, the complement: NIN is on the minus strand). VCF-style: chr14-50759975-C-T. GRCh37 (hg19) VCF-style: chr14-51226693-C-T.
Other names: c.2281G>A, p.Glu761Lys (NM_016350.5, NM_182944.3, NM_182946.2); short protein forms E761K.
Identifiers: ClinVar variation 4742854 (VCV004742854.1).

ClinVar aggregate classification (germline): Uncertain significance (1 of 4 stars; one submission).

Submission:

Labcorp Genetics (formerly Invitae), Labcorp
Classification: Uncertain significance. Last evaluated: 2025-04-18. Review status: criteria provided, single submitter. Criteria: Invitae Variant Classification Sherloc (09022015). Collection method: clinical testing. Allele origin: germline.
Comment: This sequence change replaces glutamic acid, which is acidic and polar, with lysine, which is basic and polar, at codon 761 of the NIN protein (p.Glu761Lys). This variant is not present in population databases (gnomAD no frequency). This variant has not been reported in the literature in individuals affected with NIN-related conditions. An algorithm developed to predict the effect of missense changes on protein structure and function outputs the following: PolyPhen-2: "Benign". The lysine amino acid residue is found in multiple mammalian species, which suggests that this missense change does not adversely affect protein function. In summary, the available evidence is currently insufficient to determine the role of this variant in disease. Therefore, it has been classified as a Variant of Uncertain Significance.